The following is an entry in ClinVar:

NM_000051.4(ATM):c.6778A>G (p.Ile2260Val)

Genes: ATM (ATM serine/threonine kinase; plus strand), C11orf65 (chromosome 11 open reading frame 65; minus strand). Cytogenetic location: 11q22.3.
Variant type: single nucleotide variant.
Coding change: c.6778A>G on transcript NM_000051.4 (MANE Select); coding-DNA position 6778, A replaced by G.
Protein change: p.Ile2260Val; replaces isoleucine 2260 with valine.
Molecular consequence: missense variant. On other transcripts: intron variant (2).
Genome position (GRCh38, 1-based): chr11:108,325,515, A>G. VCF-style: chr11-108325515-A-G. GRCh37 (hg19) VCF-style: chr11-108196242-A-G.
Other names: c.6778A>G, p.Ile2260Val (NM_001351834.2); c.641-16444T>C (NM_001330368.2); c.*38+9705T>C (NM_001351110.2); short protein forms I2260V.
Identifiers: ClinVar variation 630911 (VCV000630911.20), dbSNP rs1365474284, ClinGen allele CA382555445.

ClinVar aggregate classification (germline): Conflicting classifications of pathogenicity. Review status: criteria provided, conflicting classifications (1 of 4 stars). 4 submissions from 4 submitters: Uncertain significance (3); Likely benign (1). Last evaluated 2024-11-26.

Conditions:
Ataxia-telangiectasia syndrome (AT). Also called: Ataxia-telangiectasia, complementation group D; AT, COMPLEMENTATION GROUP C; ATAXIA-TELANGIECTASIA, COMPLEMENTATION GROUP A; ATAXIA-TELANGIECTASIA, FRESNO VARIANT; Ataxia-telangiectasia; LOUIS-BAR SYNDROME. Identifiers: Orphanet 100, MedGen C0004135, MONDO:0008840, OMIM 208900.
Hereditary cancer-predisposing syndrome. Also called: Tumor predisposition; Hereditary neoplastic syndrome; Neoplastic Syndromes, Hereditary; Hereditary Cancer Syndrome. Identifiers: Orphanet 140162, MedGen C0027672, MeSH D009386, MONDO:0015356.

Allele frequency attached by ClinVar (database versions not stated): TOPMed below 0.00001; gnomAD 0.00001.
gnomAD v4.1: 1 of 1,611,598 alleles (0.000062%); highest among the groups gnomAD compares: Admixed American, 0.0017%; no homozygotes.

Submissions (4):

Labcorp Genetics (formerly Invitae), Labcorp
Classification: Uncertain significance for Ataxia-telangiectasia syndrome. Last evaluated: 2024-11-26. Review status: criteria provided, single submitter. Criteria: Invitae Variant Classification Sherloc (09022015). Collection method: clinical testing. Allele origin: germline.
Comment: This sequence change replaces isoleucine, which is neutral and non-polar, with valine, which is neutral and non-polar, at codon 2260 of the ATM protein (p.Ile2260Val). This variant is not present in population databases (gnomAD no frequency). This variant has not been reported in the literature in individuals affected with ATM-related conditions. ClinVar contains an entry for this variant (Variation ID: 630911). Invitae Evidence Modeling of protein sequence and biophysical properties (such as structural, functional, and spatial information, amino acid conservation, physicochemical variation, residue mobility, and thermodynamic stability) indicates that this missense variant is not expected to disrupt ATM protein function with a negative predictive value of 95%. In summary, the available evidence is currently insufficient to determine the role of this variant in disease. Therefore, it has been classified as a Variant of Uncertain Significance.

Ambry Genetics
Classification: Likely benign for Hereditary cancer-predisposing syndrome. Last evaluated: 2021-12-22. Review status: criteria provided, single submitter. Criteria: Ambry Variant Classification Scheme 2023. Collection method: clinical testing. Allele origin: germline.

GeneDx
Classification: Uncertain significance. Last evaluated: 2021-05-05. Review status: criteria provided, single submitter. Criteria: GeneDx Variant Classification Process June 2021. Collection method: clinical testing. Allele origin: germline. Affected: yes.
Comment: Not observed in large population cohorts (Lek 2016); In silico analysis supports that this missense variant does not alter protein structure/function; Has not been previously published as pathogenic or benign to our knowledge

Color Diagnostics, LLC DBA Color Health
Classification: Uncertain significance for Hereditary cancer-predisposing syndrome. Last evaluated: 2019-12-06. Review status: criteria provided, single submitter. Criteria: ACMG Guidelines, 2015. Collection method: clinical testing. Allele origin: germline.
Comment: This missense variant replaces isoleucine with valine at codon 2260 of the ATM protein. Computational prediction suggests that this variant may not impact protein structure and function (internally defined REVEL score threshold <= 0.5, PMID: 27666373). Splice site prediction tools suggest that this variant may not impact RNA splicing. To our knowledge, functional studies have not been performed for this variant. This variant has not been reported in individuals affected with hereditary cancer in the literature. This variant has not been identified in the general population by the Genome Aggregation Database (gnomAD). The available evidence is insufficient to determine the role of this variant in disease conclusively. Therefore, this variant is classified as a Variant of Uncertain Significance.